The following is an entry in ClinVar:

ClinVar aggregate classification (germline): Uncertain significance. Review status: criteria provided, multiple submitters, no conflicts (2 of 4 stars). 2 submissions from 2 submitters: Uncertain significance (2). Last evaluated 2025-11-17.

Allele frequency attached by ClinVar (database versions not stated): TOPMed 0.00005; gnomAD exomes 0.00006; gnomAD 0.00009; ExAC 0.00012.
gnomAD v4.1: 98 of 1,613,626 alleles (0.0061%); highest among the groups gnomAD compares: Non-Finnish European, 0.008%; no homozygotes.

Submissions (2):

Labcorp Genetics (formerly Invitae), Labcorp
Classification: Uncertain significance. Last evaluated: 2025-11-17. Review status: criteria provided, single submitter. Criteria: Invitae Variant Classification Sherloc (09022015). Collection method: clinical testing. Allele origin: germline.
Comment: This sequence change replaces threonine, which is neutral and polar, with serine, which is neutral and polar, at codon 2069 of the NIN protein (p.Thr2069Ser). This variant is present in population databases (rs768674786, gnomAD 0.02%). This variant has not been reported in the literature in individuals affected with NIN-related conditions. ClinVar contains an entry for this variant (Variation ID: 2363574). An algorithm developed to predict the effect of missense changes on protein structure and function outputs the following: PolyPhen-2: "Benign". The serine amino acid residue is found in multiple mammalian species, which suggests that this missense change does not adversely affect protein function. In summary, the available evidence is currently insufficient to determine the role of this variant in disease. Therefore, it has been classified as a Variant of Uncertain Significance.

Ambry Genetics
Classification: Uncertain significance. Last evaluated: 2021-08-12. Review status: criteria provided, single submitter. Criteria: Ambry Variant Classification Scheme 2023. Collection method: clinical testing. Allele origin: germline.

NM_020921.4(NIN):c.6206C>G (p.Thr2069Ser)

Gene: NIN (ninein; minus strand). Cytogenetic location: 14q22.1.
Variant type: single nucleotide variant.
Coding change: c.6206C>G on transcript NM_020921.4 (MANE Select); coding-DNA position 6206, C replaced by G.
Protein change: p.Thr2069Ser; replaces threonine 2069 with serine.
Molecular consequence: missense variant.
Genome position (GRCh38, 1-based): chr14:50,723,659, G>C on the plus strand (C>G on the coding strand, the complement: NIN is on the minus strand). VCF-style: chr14-50723659-G-C. GRCh37 (hg19) VCF-style: chr14-51190377-G-C.
Other names: short protein forms T2069S.
Identifiers: ClinVar variation 2363574 (VCV002363574.4), dbSNP rs768674786, ClinGen allele CA7180940.